The following is an entry in ClinVar:

ClinVar aggregate classification (germline): Uncertain significance (1 of 4 stars; one submission).

Conditions:
Cardiovascular phenotype. Identifiers: MedGen CN230736.

Submission:

Ambry Genetics
Classification: Uncertain significance for Cardiovascular phenotype. Last evaluated: 2023-10-10. Review status: criteria provided, single submitter. Criteria: Ambry Variant Classification Scheme 2023. Collection method: clinical testing. Allele origin: germline.
Comment: The p.A50S variant (also known as c.148G>T), located in coding exon 2 of the ANKRD1 gene, results from a G to T substitution at nucleotide position 148. The alanine at codon 50 is replaced by serine, an amino acid with similar properties. This amino acid position is conserved. In addition, this alteration is predicted to be tolerated by in silico analysis. Since supporting evidence is limited at this time, the clinical significance of this alteration remains unclear.

NM_014391.3(ANKRD1):c.148G>T (p.Ala50Ser)

Gene: ANKRD1 (ankyrin repeat domain 1; minus strand). Cytogenetic location: 10q23.31.
Variant type: single nucleotide variant.
Coding change: c.148G>T on transcript NM_014391.3 (MANE Select); coding-DNA position 148, G replaced by T.
Protein change: p.Ala50Ser; replaces alanine 50 with serine.
Molecular consequence: missense variant.
Genome position (GRCh38, 1-based): chr10:90,920,228, C>A on the plus strand (G>T on the coding strand, the complement: ANKRD1 is on the minus strand). VCF-style: chr10-90920228-C-A. GRCh37 (hg19) VCF-style: chr10-92679985-C-A.
Other names: short protein forms A50S.
Identifiers: ClinVar variation 3226303 (VCV003226303.1), dbSNP rs28730751, ClinGen allele CA377553637.